The following is an entry in ClinVar:

NM_194248.3(OTOF):c.5169_5170del (p.Ile1724fs)

Genes: OTOF (otoferlin; minus strand), LOC112840921 (BRD4-independent group 4 enhancer GRCh37_chr2:26685720-26686919; plus strand). Cytogenetic location: 2p23.3.
Variant type: Deletion.
Coding change: c.5169_5170del on transcript NM_194248.3 (MANE Select); coding-DNA positions 5169 to 5170, 2 bases deleted (CA; older notation c.5169_5170delCA).
Protein change: p.Ile1724fs; shifts the reading frame from isoleucine 1724.
Molecular consequence: frameshift variant.
Genome position (GRCh38, 1-based): chr2:26,463,505-26,463,506, TG deleted on the plus strand (CA on the coding strand, the reverse complement: OTOF is on the minus strand); deleting any 2 consecutive bases within chr2:26,463,505-26,463,507 gives the same sequence; the c. name uses the placement nearest the transcript's 3' end. VCF-style (leftmost placement, unchanged base first): chr2-26463504-ATG-A. GRCh37 (hg19) VCF-style: chr2-26686372-ATG-A.
Other names: c.5169_5170del, p.Ile1724fs (NM_001287489.2); c.2868_2869del, p.Ile957fs (NM_004802.4, NM_194323.3); c.3099_3100del, p.Ile1034fs (NM_194322.3); c.5169_5170delCA (NM_001287489.2); short protein forms I1724fs, I957fs, I1034fs.
Identifiers: ClinVar variation 1799527 (VCV001799527.4), dbSNP rs2465508062, ClinGen allele CA2580066188.
Genomic context (GRCh38, chr2:26,463,504, plus strand): 5'-GGGCCGGAAGGGAGTAGCGCTGGGCCCCAGGCCGCTCACTTCTTGGGCTTCCGAGGTGAG[ATG>A]TCCAGAGGCGTCCCAGGGGCTGGCATGTCCATGGGGAACATGTCCACCCACAGCTCCAGG-3'

ClinVar aggregate classification (germline): Likely pathogenic. Review status: criteria provided, single submitter (1 of 4 stars). 2 submissions from 2 submitters: Likely pathogenic (1). 1 of the submissions does not count toward it. Last evaluated 2022-11-10.

Conditions:
Autosomal recessive nonsyndromic hearing loss 9. Also called: Deafness, autosomal recessive 9; NEUROSENSORY NONSYNDROMIC RECESSIVE DEAFNESS 9; OTOF-Related Hearing Loss; AUDITORY NEUROPATHY, AUTOSOMAL RECESSIVE, 1, TEMPERATURE-SENSITIVE. Identifiers: Orphanet 90636, MedGen C1832828, MONDO:0010986, OMIM 601071.

Submissions (2):

The Shared Resource Centre "Genome", Research Centre for Medical Genetics
Classification: Likely pathogenic for Autosomal recessive nonsyndromic hearing loss 9. Last evaluated: 2022-11-10. Review status: criteria provided, single submitter. Criteria: ACMG Guidelines, 2015. Collection method: clinical testing. Allele origin: germline. Affected: yes. Observed: 1 variant allele.

Diagnosis and Treatment Center of Genetic Hearing Loss, Eye & ENT Hospital of Fudan University
Classification: Pathogenic for Autosomal recessive nonsyndromic hearing loss 9. Last evaluated: 2026-02-04. Review status: no assertion criteria provided. Collection method: clinical testing. Allele origin: germline. Inheritance: Autosomal recessive inheritance. Affected: yes. Not counted in ClinVar's aggregate classification.
Comment: The c.5169_5170delCA frameshift variant in OTOF leads to a premature stop codon and predicted NMD (PVS1). It is absent from population databases (PM2_Supporting). It has been reported in one patient in trans with a likely pathogenic variant (c.[5169_5170delCA];[4903A>T]) (PM3, PMID: 36555390).

Literature cited by the submitters: PubMed 36555390 (cited by Diagnosis and Treatment Center of Genetic Hearing Loss, Eye & ENT Hospital of Fudan University).